The following is an entry in ClinVar:

Single allele

Gene: DMD (dystrophin; minus strand). Cytogenetic location: Xp21.1.
Variant type: Deletion.
Identifiers: ClinVar variation 1807242 (VCV001807242.2).

ClinVar aggregate classification (germline): Pathogenic (1 of 4 stars; one submission).

Submission:

Athena Diagnostics
Classification: Pathogenic. Last evaluated: 2023-06-13. Review status: criteria provided, single submitter. Criteria: Athena Diagnostics Criteria. Collection method: clinical testing. Allele origin: unknown.
Comment: This variant is expected to result in the loss of a functional protein. Similar deletions of exons 49-50 have been reported primarily in patients with Duchenne muscular dystrophy (DMD), and also in a few individuals with Becker muscular dystrophy (BMD; PMID: 19937601, 28610567). Similar variants have not been reported in large, multi-ethnic general populations (Genome Aggregation Database (gnomAD), Cambridge, MA (URL)).

Literature cited by the submitters: PubMed 22090376; PubMed 24770780; PubMed 28610567; PubMed 19937601; PubMed 21815800; PubMed 12518196; PubMed 2810338; PubMed 2927671; PubMed 24236769; PubMed 23588064; PubMed 27593222; PubMed 1684565; PubMed 2903663; PubMed 7897627; PubMed 15841391; PubMed 2613240; PubMed 14977063; PubMed 2491010; PubMed 18663755; PubMed 10619712; PubMed 2585468; PubMed 1483053; PubMed 17561468; PubMed 15655674; PubMed 9619643; PubMed 11388892; PubMed 19084397; PubMed 16049303; PubMed 23438214; PubMed 19783145; PubMed 1618490; PubMed 9048922; PubMed 17253928; PubMed 28332368; PubMed 10392746; PubMed 17259292; PubMed 18653336; PubMed 19367636; PubMed 9544849; PubMed 28181689; PubMed 17854090; PubMed 27750387; PubMed 19455105; PubMed 28116794; PubMed 15684864; PubMed 29976999; PubMed 31705731; PubMed 31139960; PubMed 31381525.